The following is an entry in ClinVar:

NM_130384.3(ATRIP):c.745A>G (p.Thr249Ala)

Genes: ATRIP (ATR interacting protein; plus strand), ATRIP-TREX1 (ATRIP-TREX1 readthrough; plus strand). Cytogenetic location: 3p21.31.
Variant type: single nucleotide variant.
Coding change: c.745A>G on transcript NM_130384.3 (MANE Select); coding-DNA position 745, A replaced by G.
Protein change: p.Thr249Ala; replaces threonine 249 with alanine.
Molecular consequence: missense variant. On other transcripts: non-coding transcript variant (1).
Genome position (GRCh38, 1-based): chr3:48,457,332, A>G. VCF-style: chr3-48457332-A-G. GRCh37 (hg19) VCF-style: chr3-48498732-A-G.
Other names: c.364A>G, p.Thr122Ala (NM_001271022.2); c.466A>G, p.Thr156Ala (NM_001271023.2); c.745A>G, p.Thr249Ala (NM_032166.4); short protein forms T156A, T249A, T122A.
Identifiers: ClinVar variation 3809887 (VCV003809887.2).

ClinVar aggregate classification (germline): Uncertain significance. Review status: criteria provided, multiple submitters, no conflicts (2 of 4 stars). 2 submissions from 2 submitters: Uncertain significance (2). Last evaluated 2025-02-25.

gnomAD v4.1: 3 of 1,609,076 alleles (0.00019%); highest among the groups gnomAD compares: Non-Finnish European, 0.00025%; no homozygotes.

Submissions (2):

Labcorp Genetics (formerly Invitae), Labcorp
Classification: Uncertain significance. Last evaluated: 2025-02-25. Review status: criteria provided, single submitter. Criteria: Invitae Variant Classification Sherloc (09022015). Collection method: clinical testing. Allele origin: germline.
Comment: This sequence change replaces threonine, which is neutral and polar, with alanine, which is neutral and non-polar, at codon 249 of the ATRIP protein (p.Thr249Ala). This variant is not present in population databases (gnomAD no frequency). This variant has not been reported in the literature in individuals affected with ATRIP-related conditions. An algorithm developed to predict the effect of missense changes on protein structure and function (PolyPhen-2) suggests that this variant is likely to be disruptive. In summary, the available evidence is currently insufficient to determine the role of this variant in disease. Therefore, it has been classified as a Variant of Uncertain Significance.

Ambry Genetics
Classification: Uncertain significance. Last evaluated: 2025-01-15. Review status: criteria provided, single submitter. Criteria: Ambry Variant Classification Scheme 2023. Collection method: clinical testing. Allele origin: germline.
Comment: The p.T249A variant (also known as c.745A>G), located in coding exon 5 of the ATRIP gene, results from an A to G substitution at nucleotide position 745. The threonine at codon 249 is replaced by alanine, an amino acid with similar properties. This amino acid position is conserved. In addition, the in silico prediction for this alteration is inconclusive. Based on the available evidence, the clinical significance of this variant remains unclear.